The following is an entry in ClinVar:

ClinVar aggregate classification (germline): Likely pathogenic (1 of 4 stars; one submission).

Conditions:
Diabetes insipidus, nephrogenic, autosomal (NDI2). Also called: Diabetes insipidus, nephrogenic, 2, autosomal; Nephrogenic Diabetes Insipidus, Type II. Identifiers: Orphanet 223, MedGen C1563706, MONDO:0007451, OMIM 125800.

Submission:

Molecular Genetics and NGS Laboratory, Hospital Fundacion Valle Del Lili
Classification: Likely pathogenic for Diabetes insipidus, nephrogenic, autosomal. Last evaluated: 2025-07-06. Review status: criteria provided, single submitter. Criteria: ACMG Guidelines, 2015. Collection method: clinical testing. Allele origin: unknown. Inheritance: Autosomal recessive inheritance. Affected: yes. Observed: 1 homozygote.
Comment: A novel homozygous missense variant NM_000486.6:c.398T>A (p.Val133Glu) was identified in exon 2 of the AQP2 gene. According to the American College of Medical Genetics and Genomics (ACMG) criteria—PM2 (absent from population databases), PP2 (missense variant in a gene with low benign variation), and PP3 (computational evidence suggesting a deleterious effect)—and following review by the FVL Medical Genetics Board, this variant was classified as likely pathogenic.

NM_000486.6(AQP2):c.398T>A (p.Val133Glu)

Genes: AQP2 (aquaporin 2; plus strand), AQP5-AS1 (AQP5 and AQP2 antisense RNA 2; minus strand). Cytogenetic location: 12q13.12.
Variant type: single nucleotide variant.
Coding change: c.398T>A on transcript NM_000486.6 (MANE Select); coding-DNA position 398, T replaced by A.
Protein change: p.Val133Glu; replaces valine 133 with glutamic acid.
Molecular consequence: missense variant. On other transcripts: non-coding transcript variant (1).
Genome position (GRCh38, 1-based): chr12:49,954,192, T>A. VCF-style: chr12-49954192-T-A. GRCh37 (hg19) VCF-style: chr12-50347975-T-A.
Other names: p.Val133Glu; short protein forms V133E.
Identifiers: ClinVar variation 4073616 (VCV004073616.1).
Genomic context (GRCh38, chr12:49,954,192, plus strand): 5'-ACCCGCCTCTTCTCTGTCCCCAGCTCAGCAACAGCACGACGGCTGGCCAGGCGGTGACTG[T>A]GGAGCTCTTCCTGACACTGCAGCTGGTGCTCTGCATCTTCGCCTCCACCGATGAGCGCCG-3'
Protein context (NP_000477.1, residues 123-143): NSTTAGQAVT[Val133Glu]ELFLTLQLVL